The following is an entry in ClinVar:

ClinVar aggregate classification (germline): Uncertain significance. Review status: criteria provided, multiple submitters, no conflicts (2 of 4 stars). 3 submissions from 3 submitters: Uncertain significance (3). Last evaluated 2025-04-17.

Conditions:
Palmoplantar keratoderma-esophageal carcinoma syndrome (TOC). Also called: Tylosis with Esophageal Cancer; PALMOPLANTAR KERATODERMA WITH ESOPHAGEAL CANCER; KERATOSIS PALMARIS ET PLANTARIS WITH ESOPHAGEAL CANCER. Identifiers: Orphanet 2198, MedGen C1835664, MONDO:0007856, OMIM 148500.
Inborn genetic diseases. Identifiers: MedGen C0950123, MeSH D030342.

Allele frequency attached by ClinVar (database versions not stated): ExAC 0.00002; gnomAD 0.00002; TOPMed 0.00002; ESP Exome Variant Server 0.00008; gnomAD exomes 0.00011.

Submissions (3):

Ambry Genetics
Classification: Uncertain significance for Inborn genetic diseases. Last evaluated: 2025-04-17. Review status: criteria provided, single submitter. Criteria: Ambry Variant Classification Scheme 2023. Collection method: clinical testing. Allele origin: germline.

Labcorp Genetics (formerly Invitae), Labcorp
Classification: Uncertain significance. Last evaluated: 2024-03-19. Review status: criteria provided, single submitter. Criteria: Invitae Variant Classification Sherloc (09022015). Collection method: clinical testing. Allele origin: germline.
Comment: This sequence change replaces serine, which is neutral and polar, with leucine, which is neutral and non-polar, at codon 474 of the RHBDF2 protein (p.Ser474Leu). This variant is present in population databases (rs369622466, gnomAD 0.004%). This variant has not been reported in the literature in individuals affected with RHBDF2-related conditions. An algorithm developed to predict the effect of missense changes on protein structure and function (PolyPhen-2) suggests that this variant is likely to be disruptive. In summary, the available evidence is currently insufficient to determine the role of this variant in disease. Therefore, it has been classified as a Variant of Uncertain Significance.

Baylor Genetics
Classification: Uncertain significance for Palmoplantar keratoderma-esophageal carcinoma syndrome. Last evaluated: 2023-10-13. Review status: criteria provided, single submitter. Criteria: ACMG Guidelines, 2015. Collection method: clinical testing. Allele origin: unknown.

NM_001005498.4(RHBDF2):c.1334C>T (p.Ser445Leu)

Gene: RHBDF2 (rhomboid 5 homolog 2; minus strand). Cytogenetic location: 17q25.1.
Variant type: single nucleotide variant.
Coding change: c.1334C>T on transcript NM_001005498.4 (MANE Select); coding-DNA position 1334, C replaced by T.
Protein change: p.Ser445Leu; replaces serine 445 with leucine.
Molecular consequence: missense variant. On other transcripts: non-coding transcript variant (3).
Genome position (GRCh38, 1-based): chr17:76,474,503, G>A on the plus strand (C>T on the coding strand, the complement: RHBDF2 is on the minus strand). VCF-style: chr17-76474503-G-A. GRCh37 (hg19) VCF-style: chr17-74470585-G-A.
Other names: c.1334C>T, p.Ser445Leu (NM_001376228.1, NM_001376229.1, NM_001376230.1); c.1421C>T, p.Ser474Leu (NM_024599.5); short protein forms S445L, S474L.
Identifiers: ClinVar variation 2678332 (VCV002678332.4), dbSNP rs369622466, ClinGen allele CA8787029.